The following is an entry in ClinVar:

ClinVar aggregate classification (germline): Uncertain significance. Review status: criteria provided, multiple submitters, no conflicts (2 of 4 stars). 2 submissions from 2 submitters: Uncertain significance (2). Last evaluated 2024-04-20.

Allele frequency attached by ClinVar (database versions not stated): gnomAD 0.00001; ExAC 0.00002; TOPMed 0.00002.
gnomAD v4.1: 20 of 1,612,202 alleles (0.0012%); highest among the groups gnomAD compares: Admixed American, 0.0017%; no homozygotes.

Submissions (2):

Ambry Genetics
Classification: Uncertain significance. Last evaluated: 2024-04-20. Review status: criteria provided, single submitter. Criteria: Ambry Variant Classification Scheme 2023. Collection method: clinical testing. Allele origin: germline.

Labcorp Genetics (formerly Invitae), Labcorp
Classification: Uncertain significance. Last evaluated: 2022-05-27. Review status: criteria provided, single submitter. Criteria: Invitae Variant Classification Sherloc (09022015). Collection method: clinical testing. Allele origin: germline.
Comment: This variant is present in population databases (rs753356158, gnomAD 0.005%). In summary, the available evidence is currently insufficient to determine the role of this variant in disease. Therefore, it has been classified as a Variant of Uncertain Significance. Algorithms developed to predict the effect of missense changes on protein structure and function (SIFT, PolyPhen-2, Align-GVGD) all suggest that this variant is likely to be disruptive. This variant has not been reported in the literature in individuals affected with FAT2-related conditions. This sequence change replaces threonine, which is neutral and polar, with isoleucine, which is neutral and non-polar, at codon 3270 of the FAT2 protein (p.Thr3270Ile).

NM_001447.3(FAT2):c.9809C>T (p.Thr3270Ile)

Genes: FAT2 (FAT atypical cadherin 2; minus strand), SLC36A1 (solute carrier family 36 member 1; plus strand). Cytogenetic location: 5q33.1.
Variant type: single nucleotide variant.
Coding change: c.9809C>T on transcript NM_001447.3 (MANE Select); coding-DNA position 9809, C replaced by T.
Protein change: p.Thr3270Ile; replaces threonine 3270 with isoleucine.
Molecular consequence: missense variant.
Genome position (GRCh38, 1-based): chr5:151,531,589, G>A on the plus strand (C>T on the coding strand, the complement: FAT2 is on the minus strand). VCF-style: chr5-151531589-G-A. GRCh37 (hg19) VCF-style: chr5-150911150-G-A.
Other names: c.9809C>T (NM_001447.2); short protein forms T3270I.
Identifiers: ClinVar variation 2173156 (VCV002173156.5), dbSNP rs753356158, ClinGen allele CA3520460.